The following is an entry in ClinVar:

NM_172107.4(KCNQ2):c.2318dup (p.Cys774fs)

Gene: KCNQ2 (potassium voltage-gated channel subfamily Q member 2; minus strand). Cytogenetic location: 20q13.33.
Variant type: Duplication.
Coding change: c.2318dup on transcript NM_172107.4 (MANE Select); coding-DNA position 2318, one base duplicated (G; older notation c.2318dupG).
Protein change: p.Cys774fs; shifts the reading frame from cysteine 774.
Molecular consequence: frameshift variant.
Genome position (GRCh38, 1-based): chr20:63,406,945, C duplicated on the plus strand (G on the coding strand, the reverse complement: KCNQ2 is on the minus strand); the first of 3 consecutive C bases (chr20:63,406,945-63,406,947); duplicating any one gives the same sequence. VCF-style (leftmost placement, unchanged base first): chr20-63406944-G-GC. GRCh37 (hg19) VCF-style: chr20-62038297-G-GC.
Other names: c.2234dup, p.Cys746fs (NM_004518.6); c.2264dup, p.Cys756fs (NM_172106.3); c.2225dup, p.Cys743fs (NM_172108.5); c.2318_2319dupG (NM_172107.2); short protein forms C774fs, C756fs, C746fs, C743fs.
Identifiers: ClinVar variation 369814 (VCV000369814.1), dbSNP rs1555850512, ClinGen allele CA16609700.

ClinVar aggregate classification (germline): Pathogenic (0 of 4 stars; one submission).

Conditions:
Seizures, benign familial neonatal, 1. Also called: KCNQ2-Related Benign Familial Neonatal Epilepsy; Benign Neonatal Epilepsy 1; KCNQ2-Related Self-Limited Familial Neonatal Epilepsy (SLFNE); Seizures, benign neonatal, 1. Identifiers: Orphanet 1949, MedGen C3149074, MONDO:0007365, OMIM 121200.

Submission:

GeneReviews
Classification: Pathogenic for Seizures, benign familial neonatal, 1. Last evaluated: 2016-03-31. Review status: no assertion criteria provided. Collection method: literature only. Allele origin: germline. Affected: yes.
Comment: BFNE (benign familial neonatal epilepsy)

Literature cited by the submitters: PubMed 25959266.